The following is an entry in ClinVar:

NM_138694.4(PKHD1):c.9627C>G (p.Ser3209Arg)

Gene: PKHD1 (PKHD1 ciliary IPT domain containing fibrocystin/polyductin; minus strand). Cytogenetic location: 6p12.3.
Variant type: single nucleotide variant.
Coding change: c.9627C>G on transcript NM_138694.4 (MANE Select); coding-DNA position 9627, C replaced by G.
Protein change: p.Ser3209Arg; replaces serine 3209 with arginine.
Molecular consequence: missense variant.
Genome position (GRCh38, 1-based): chr6:51,747,989, G>C on the plus strand (C>G on the coding strand, the complement: PKHD1 is on the minus strand). VCF-style: chr6-51747989-G-C. GRCh37 (hg19) VCF-style: chr6-51612787-G-C.
Other names: c.9627C>G, p.Ser3209Arg (NM_170724.3); short protein forms S3209R.
Identifiers: ClinVar variation 3020607 (VCV003020607.3), dbSNP rs2533808647, ClinGen allele CA364420664.

ClinVar aggregate classification (germline): Likely pathogenic (1 of 4 stars; one submission).

Conditions:
Autosomal recessive polycystic kidney disease (ARPKD). Also called: AR polycystic kidney disease. Identifiers: Orphanet 731, Orphanet 8378, MedGen C0085548, MeSH D017044, MONDO:0009889.

gnomAD v4.1: 1 of 1,614,086 alleles (0.000062%); no homozygotes.

Submission:

Labcorp Genetics (formerly Invitae), Labcorp
Classification: Likely pathogenic for Autosomal recessive polycystic kidney disease. Last evaluated: 2023-03-08. Review status: criteria provided, single submitter. Criteria: Invitae Variant Classification Sherloc (09022015). Collection method: clinical testing. Allele origin: germline.
Comment: In summary, the currently available evidence indicates that the variant is pathogenic, but additional data are needed to prove that conclusively. Therefore, this variant has been classified as Likely Pathogenic. Advanced modeling of protein sequence and biophysical properties (such as structural, functional, and spatial information, amino acid conservation, physicochemical variation, residue mobility, and thermodynamic stability) performed at Invitae indicates that this missense variant is expected to disrupt PKHD1 protein function. This missense change has been observed in individual(s) with polycystic kidney disease (PMID: 15698423). In at least one individual the data is consistent with being in trans (on the opposite chromosome) from a pathogenic variant. This variant is not present in population databases (gnomAD no frequency). This sequence change replaces serine, which is neutral and polar, with arginine, which is basic and polar, at codon 3209 of the PKHD1 protein (p.Ser3209Arg).

Literature cited by the submitters: PubMed 15698423.